The following is an entry in ClinVar:

NM_002519.3(NPAT):c.821A>G (p.Asp274Gly)

Gene: NPAT (nuclear protein, coactivator of histone transcription; minus strand). Cytogenetic location: 11q22.3.
Variant type: single nucleotide variant.
Coding change: c.821A>G on transcript NM_002519.3 (MANE Select); coding-DNA position 821, A replaced by G.
Protein change: p.Asp274Gly; replaces aspartic acid 274 with glycine.
Molecular consequence: missense variant.
Genome position (GRCh38, 1-based): chr11:108,185,317, T>C on the plus strand (A>G on the coding strand, the complement: NPAT is on the minus strand). VCF-style: chr11-108185317-T-C. GRCh37 (hg19) VCF-style: chr11-108056044-T-C.
Other names: c.821A>G, p.Asp274Gly (NM_001321307.1); short protein forms D274G.
Identifiers: ClinVar variation 1762498 (VCV001762498.2), dbSNP rs2496737824, ClinGen allele CA382520391.

ClinVar aggregate classification (germline): Uncertain significance (1 of 4 stars; one submission).

Submission:

Ambry Genetics
Classification: Uncertain significance. Last evaluated: 2024-03-25. Review status: criteria provided, single submitter. Criteria: Ambry Variant Classification Scheme 2023. Collection method: clinical testing. Allele origin: germline.
Comment: The p.D274G variant (also known as c.821A>G), located in coding exon 10 of the NPAT gene, results from an A to G substitution at nucleotide position 821. The aspartic acid at codon 274 is replaced by glycine, an amino acid with similar properties. This amino acid position is conserved. In addition, this alteration is predicted to be tolerated by in silico analysis. Since supporting evidence is limited at this time, the clinical significance of this alteration remains unclear.